The following is an entry in ClinVar:

ClinVar aggregate classification (germline): Uncertain significance (1 of 4 stars; one submission).

Conditions:
Hyperphosphatasia with intellectual disability syndrome 5 (GPIBD11). Also called: GLYCOSYLPHOSPHATIDYLINOSITOL BIOSYNTHESIS DEFECT 11. Identifiers: Orphanet 247262, MedGen C4014958, MONDO:0014457, OMIM 616025.

Allele frequency attached by ClinVar (database versions not stated): gnomAD 0.00001.
gnomAD v4.1: 11 of 1,614,060 alleles (0.00068%); highest among the groups gnomAD compares: East Asian, 0.025%; no homozygotes.

Submission:

Labcorp Genetics (formerly Invitae), Labcorp
Classification: Uncertain significance for Hyperphosphatasia with intellectual disability syndrome 5. Last evaluated: 2021-12-23. Review status: criteria provided, single submitter. Criteria: Invitae Variant Classification Sherloc (09022015). Collection method: clinical testing. Allele origin: germline.
Comment: In summary, the available evidence is currently insufficient to determine the role of this variant in disease. Therefore, it has been classified as a Variant of Uncertain Significance. Algorithms developed to predict the effect of missense changes on protein structure and function are either unavailable or do not agree on the potential impact of this missense change (SIFT: "Deleterious"; PolyPhen-2: "Benign"; Align-GVGD: "Class C0"). This variant has not been reported in the literature in individuals affected with PIGW-related conditions. This variant is present in population databases (rs12952744, gnomAD 0.02%). This sequence change replaces leucine, which is neutral and non-polar, with serine, which is neutral and polar, at codon 203 of the PIGW protein (p.Leu203Ser).

NM_001346754.2(PIGW):c.608T>C (p.Leu203Ser)

Genes: MYO19 (myosin XIX; minus strand), PIGW (phosphatidylinositol glycan anchor biosynthesis class W; plus strand). Cytogenetic location: 17q12.
Variant type: single nucleotide variant.
Coding change: c.608T>C on transcript NM_001346754.2 (MANE Select); coding-DNA position 608, T replaced by C.
Protein change: p.Leu203Ser; replaces leucine 203 with serine.
Molecular consequence: missense variant.
Genome position (GRCh38, 1-based): chr17:36,537,709, T>C. VCF-style: chr17-36537709-T-C. GRCh37 (hg19) VCF-style: chr17-34893558-T-C.
Other names: c.608T>C, p.Leu203Ser (NM_001346755.2, NM_178517.5); short protein forms L203S.
Identifiers: ClinVar variation 2194549 (VCV002194549.3), dbSNP rs12952744, ClinGen allele CA290116099.